The following is an entry in ClinVar:

NM_001018115.3(FANCD2):c.1343A>G (p.Gln448Arg)

Genes: FANCD2 (FA complementation group D2; plus strand), LOC107303338 (3p25 FANCD2 Alu-mediated recombination region; plus strand). Cytogenetic location: 3p25.3.
Variant type: single nucleotide variant.
Coding change: c.1343A>G on transcript NM_001018115.3 (MANE Select); coding-DNA position 1343, A replaced by G.
Protein change: p.Gln448Arg; replaces glutamine 448 with arginine.
Molecular consequence: missense variant.
Genome position (GRCh38, 1-based): chr3:10,047,981, A>G. VCF-style: chr3-10047981-A-G. GRCh37 (hg19) VCF-style: chr3-10089665-A-G.
Other names: c.1343A>G, p.Gln448Arg (NM_001319984.2, NM_001374253.1, NM_001374254.1 and 1 more transcripts); short protein forms Q448R.
Identifiers: ClinVar variation 1062036 (VCV001062036.7), dbSNP rs777539464, ClinGen allele CA2249614.
Genomic context (GRCh38, chr3:10,047,981, plus strand): 5'-TTAAGGATATGTGTTCATCCATTCTGTCGCTGGCTCAGAGTTTGCTTCACTCTCTAGACC[A>G]GAGTATAATTTCATTTGGCAGTCTCCTATACAAATATGCATTTAAGTTTTTTGACACGTA-3'
Protein context (NP_001018125.1, residues 438-458): LAQSLLHSLD[Gln448Arg]SIISFGSLLY

ClinVar aggregate classification (germline): Uncertain significance (1 of 4 stars; one submission).

Conditions:
Fanconi anemia (FA). Also called: Fanconi's anemia. Identifiers: Orphanet 84, MedGen C0015625, MeSH D005199, MONDO:0019391.

Allele frequency attached by ClinVar (database versions not stated): ExAC 0.00002; gnomAD exomes 0.00002 and 0.00001; TOPMed below 0.00001; gnomAD 0.00001.

Submission:

Labcorp Genetics (formerly Invitae), Labcorp
Classification: Uncertain significance for Fanconi anemia. Last evaluated: 2021-09-29. Review status: criteria provided, single submitter. Criteria: Invitae Variant Classification Sherloc (09022015). Collection method: clinical testing. Allele origin: germline.
Comment: In summary, the available evidence is currently insufficient to determine the role of this variant in disease. Therefore, it has been classified as a Variant of Uncertain Significance. Algorithms developed to predict the effect of missense changes on protein structure and function (SIFT, PolyPhen-2, Align-GVGD) all suggest that this variant is likely to be tolerated. This variant has not been reported in the literature in individuals affected with FANCD2-related conditions. This variant is present in population databases (rs777539464, ExAC 0.004%). This sequence change replaces glutamine with arginine at codon 448 of the FANCD2 protein (p.Gln448Arg). The glutamine residue is weakly conserved and there is a small physicochemical difference between glutamine and arginine.